The following is an entry in ClinVar:

ClinVar aggregate classification (germline): Pathogenic (1 of 4 stars; one submission).

Conditions:
Spermatogenic failure 18. Identifiers: MedGen C4539783, MONDO:0054615, OMIM 617576.
Ciliary dyskinesia, primary, 37 (CILD37). Also called: CILIARY DYSKINESIA, PRIMARY, 37, WITH OR WITHOUT SITUS INVERSUS. Identifiers: MedGen C4539798, MONDO:0033204, OMIM 617577.

Submission:

Labcorp Genetics (formerly Invitae), Labcorp
Classification: Pathogenic for Ciliary dyskinesia, primary, 37; Spermatogenic failure 18. Last evaluated: 2022-11-06. Review status: criteria provided, single submitter. Criteria: Invitae Variant Classification Sherloc (09022015). Collection method: clinical testing. Allele origin: germline.
Comment: For these reasons, this variant has been classified as Pathogenic. This variant has not been reported in the literature in individuals affected with DNAH1-related conditions. This variant is not present in population databases (gnomAD no frequency). This sequence change creates a premature translational stop signal (p.Lys2805Glnfs*40) in the DNAH1 gene. It is expected to result in an absent or disrupted protein product. Loss-of-function variants in DNAH1 are known to be pathogenic (PMID: 27573432, 27798045).

Literature cited by the submitters: PubMed 27573432; PubMed 27798045.

NM_015512.5(DNAH1):c.8412dup (p.Lys2805fs)

Gene: DNAH1 (dynein axonemal heavy chain 1; plus strand). Cytogenetic location: 3p21.1.
Variant type: Duplication.
Coding change: c.8412dup on transcript NM_015512.5 (MANE Select); coding-DNA position 8412, one base duplicated (C; older notation c.8412dupC).
Protein change: p.Lys2805fs; shifts the reading frame from lysine 2805.
Molecular consequence: frameshift variant.
Genome position (GRCh38, 1-based): chr3:52,384,875, C duplicated; the last of 5 consecutive C bases (chr3:52,384,871-52,384,875); duplicating any one gives the same sequence. VCF-style (leftmost placement, unchanged base first): chr3-52384870-A-AC. GRCh37 (hg19) VCF-style: chr3-52418886-A-AC.
Other names: short protein forms K2805fs.
Identifiers: ClinVar variation 2931395 (VCV002931395.3), dbSNP rs1390552303, ClinGen allele CA353187532.